The following is an entry in ClinVar:

ClinVar aggregate classification (germline): Uncertain significance. Review status: criteria provided, multiple submitters, no conflicts (2 of 4 stars). 3 submissions from 3 submitters: Uncertain significance (3). Last evaluated 2025-11-27.

Conditions:
Inborn genetic diseases. Identifiers: MedGen C0950123, MeSH D030342.
Charcot-Marie-Tooth disease. Also called: Charcot-Marie-Tooth Neuropathy; Charcot-Marie-Tooth Hereditary Neuropathy. Identifiers: Orphanet 166, MedGen C0007959, MONDO:0015626.
Charcot-Marie-Tooth disease type 2. Also called: Charcot-Marie-Tooth type 2. Identifiers: Orphanet 64746, MedGen C0270914, MONDO:0018993.

Allele frequency attached by ClinVar (database versions not stated): gnomAD 0.00006 and 0.00007; TOPMed 0.00006; ESP Exome Variant Server 0.00023.
gnomAD v4.1: 175 of 1,613,744 alleles (0.011%); highest among the groups gnomAD compares: Non-Finnish European, 0.014%; no homozygotes.

Submissions (4):

Labcorp Genetics (formerly Invitae), Labcorp
Classification: Uncertain significance for Charcot-Marie-Tooth disease type 2. Last evaluated: 2025-11-27. Review status: criteria provided, single submitter. Criteria: Invitae Variant Classification Sherloc (09022015). Collection method: clinical testing. Allele origin: germline.
Comment: This sequence change replaces arginine, which is basic and polar, with cysteine, which is neutral and slightly polar, at codon 320 of the AARS protein (p.Arg320Cys). This variant is present in population databases (rs138490305, gnomAD 0.006%). This missense change has been observed in individual(s) with Charcot-Marie-Tooth disease (PMID: 32376792). ClinVar contains an entry for this variant (Variation ID: 476745). Invitae Evidence Modeling of protein sequence and biophysical properties (such as structural, functional, and spatial information, amino acid conservation, physicochemical variation, residue mobility, and thermodynamic stability) indicates that this missense variant is expected to disrupt AARS protein function with a positive predictive value of 80%. In summary, the available evidence is currently insufficient to determine the role of this variant in disease. Therefore, it has been classified as a Variant of Uncertain Significance.

Ambry Genetics
Classification: Uncertain significance for Inborn genetic diseases. Last evaluated: 2025-07-15. Review status: criteria provided, single submitter. Criteria: Ambry Variant Classification Scheme 2023. Collection method: clinical testing. Allele origin: germline.

Molecular Genetics Laboratory, London Health Sciences Centre
Classification: Uncertain significance for Charcot-Marie-Tooth disease. Review status: criteria provided, single submitter. Criteria: ACMG Guidelines, 2015. Collection method: clinical testing. Allele origin: germline. Affected: yes.

Dr. Peter K. Rogan Lab, Western University
No classification provided (evidence only). Condition: Clear cell carcinoma of kidney. Review status: no classification provided. Collection method: in vitro. Allele origin: not applicable. Functional consequence: retained intron. Not counted in ClinVar's aggregate classification.

Literature cited by the submitters: PubMed 32376792 (cited by Labcorp Genetics (formerly Invitae), Labcorp and Ambry Genetics).

NM_001605.3(AARS1):c.958C>T (p.Arg320Cys)

Gene: AARS1 (alanyl-tRNA synthetase 1; minus strand). Cytogenetic location: 16q22.1.
Variant type: single nucleotide variant.
Coding change: c.958C>T on transcript NM_001605.3 (MANE Select); coding-DNA position 958, C replaced by T.
Protein change: p.Arg320Cys; replaces arginine 320 with cysteine.
Molecular consequence: missense variant.
Genome position (GRCh38, 1-based): chr16:70,269,622, G>A on the plus strand (C>T on the coding strand, the complement: AARS1 is on the minus strand). VCF-style: chr16-70269622-G-A. GRCh37 (hg19) VCF-style: chr16-70303525-G-A.
Other names: short protein forms R320C.
Identifiers: ClinVar variation 476745 (VCV000476745.13), dbSNP rs138490305, ClinGen allele CA8140989.